The following is an entry in ClinVar:

ClinVar aggregate classification (germline): Uncertain significance (1 of 4 stars; one submission).

Conditions:
Polycystic kidney disease 4 (PKD4). Also called: POLYCYSTIC KIDNEY AND HEPATIC DISEASE 1; POLYCYSTIC KIDNEY DISEASE, INFANTILE, TYPE I; PKD3; Autosomal Recessive Polycystic Kidney Disease – PKHD1; POLYCYSTIC KIDNEY DISEASE 4 WITH OR WITHOUT POLYCYSTIC LIVER DISEASE. Identifiers: MedGen C4540575, MONDO:0033004, OMIM 263200.

gnomAD v4.1: 2 of 1,614,182 alleles (0.00012%); highest among the groups gnomAD compares: Non-Finnish European, 0.00017%; no homozygotes.

Submission:

Myriad Genetics, Inc.
Classification: Uncertain significance for Polycystic kidney disease 4. Last evaluated: 2025-07-21. Review status: criteria provided, single submitter. Criteria: Myriad Autosomal Dominant, Autosomal Recessive and X-Linked Classification Criteria (2023). Collection method: clinical testing. Allele origin: unknown.
Comment: NM_138694.3(PKHD1):c.4180A>G(I1394V) is a missense variant classified as a variant of uncertain significance in the context of autosomal recessive polycystic kidney disease, PKHD1-related. I1394V has not been observed in cases with relevant disease. Relevant functional assessments of this variant are not available in the literature. I1394V has not been observed in referenced population frequency databases. In summary, there is insufficient evidence to classify NM_138694.3(PKHD1):c.4180A>G(I1394V) as pathogenic or benign. Please note: this variant was assessed in the context of healthy population screening.

NM_138694.4(PKHD1):c.4180A>G (p.Ile1394Val)

Gene: PKHD1 (PKHD1 ciliary IPT domain containing fibrocystin/polyductin; minus strand). Cytogenetic location: 6p12.2.
Variant type: single nucleotide variant.
Coding change: c.4180A>G on transcript NM_138694.4 (MANE Select); coding-DNA position 4180, A replaced by G.
Protein change: p.Ile1394Val; replaces isoleucine 1394 with valine.
Molecular consequence: missense variant.
Genome position (GRCh38, 1-based): chr6:52,025,630, T>C on the plus strand (A>G on the coding strand, the complement: PKHD1 is on the minus strand). VCF-style: chr6-52025630-T-C. GRCh37 (hg19) VCF-style: chr6-51890428-T-C.
Other names: c.4180A>G, p.Ile1394Val (NM_170724.3); short protein forms I1394V.
Identifiers: ClinVar variation 5003307 (VCV005003307.1).